The following is an entry in ClinVar:

ClinVar aggregate classification (germline): Uncertain significance (1 of 4 stars; one submission).

Allele frequency attached by ClinVar (database versions not stated): gnomAD exomes below 0.00001.

Submission:

GeneDx
Classification: Uncertain significance. Last evaluated: 2014-08-21. Review status: criteria provided, single submitter. Criteria: GeneDx Variant Classification (06012015). Collection method: clinical testing. Allele origin: germline. Affected: yes.
Comment: p.Ala198Gly (GCT>GGT): c.593 C>G in exon 7 of the TTC19 gene (NM_017775.3) A variant of unknown significance has been identified in the TTC19 gene. The A198G variant has not been published as a mutation, nor has it been reported as a benign polymorphism to our knowledge. The A198G variant is a conservative amino acid substitution, which is not likely to impact secondary protein structure as these residues share similar properties. However, this substitution occurs at a position that is conserved across species and in silico analysis predicts this variant is probably damaging to the protein structure/function. Therefore, based on the currently available information, it is unclear whether this variant is a pathogenic mutation or a rare benign variant. The variant is found in MITONUC-MITOP panel(s).

NM_017775.4(TTC19):c.593C>G (p.Ala198Gly)

Gene: TTC19 (tetratricopeptide repeat domain 19; plus strand). Cytogenetic location: 17p12.
Variant type: single nucleotide variant.
Coding change: c.593C>G on transcript NM_017775.4 (MANE Select); coding-DNA position 593, C replaced by G.
Protein change: p.Ala198Gly; replaces alanine 198 with glycine.
Molecular consequence: missense variant.
Genome position (GRCh38, 1-based): chr17:16,006,485, C>G. VCF-style: chr17-16006485-C-G. GRCh37 (hg19) VCF-style: chr17-15909799-C-G.
Other names: p.A198G:GCT>GGT; c.272C>G, p.Ala91Gly (NM_001271420.2); short protein forms A198G, A91G.
Identifiers: ClinVar variation 215306 (VCV000215306.2), dbSNP rs863224244, ClinGen allele CA322751.